The following is an entry in ClinVar:

NM_001042492.3(NF1):c.8170del (p.Ile2724fs)

Gene: NF1 (neurofibromin 1; plus strand). Cytogenetic location: 17q11.2.
Variant type: Deletion.
Coding change: c.8170del on transcript NM_001042492.3 (MANE Select); coding-DNA position 8170, one base deleted (A; older notation c.8170delA).
Protein change: p.Ile2724fs; shifts the reading frame from isoleucine 2724.
Molecular consequence: frameshift variant.
Genome position (GRCh38, 1-based): chr17:31,360,496, A deleted; the last of 3 consecutive A bases (chr17:31,360,494-31,360,496); deleting any one gives the same sequence. VCF-style (leftmost placement, unchanged base first): chr17-31360493-CA-C. GRCh37 (hg19) VCF-style: chr17-29687511-CA-C.
Other names: c.8107delA, p.Ile2703Phefs (NM_000267.4); short protein forms I2703fs, I2724fs.
Identifiers: ClinVar variation 1442562 (VCV001442562.6), dbSNP rs2151587629, ClinGen allele CA2573153466.
Genomic context (GRCh38, chr17:31,360,493, plus strand): 5'-TGGGGATTTACTTAAAAAAAAGGAACTAAAATAATTTCCTATTTTCCATTACAGCAAACA[CA>C]AATTCCAGACTATGCTGAGCTTATTGTTAAGTTTCTTGATGCCTTGATTGACACGTACCT-3'

ClinVar aggregate classification (germline): Pathogenic (1 of 4 stars; one submission).

Conditions:
Neurofibromatosis, type 1 (NF1). Also called: NEUROFIBROMATOSIS, TYPE I, SOMATIC; VON RECKLINGHAUSEN DISEASE; Peripheral type neurofibromatosis; Neurofibromatosis, type I. Identifiers: Orphanet 636, MedGen C0027831, MONDO:0018975, OMIM 162200. Disease mechanism: loss of function.

Submission:

Labcorp Genetics (formerly Invitae), Labcorp
Classification: Pathogenic for Neurofibromatosis, type 1. Last evaluated: 2020-11-06. Review status: criteria provided, single submitter. Criteria: Invitae Variant Classification Sherloc (09022015). Collection method: clinical testing. Allele origin: germline.
Comment: For these reasons, this variant has been classified as Pathogenic. This variant has not been reported in the literature in individuals with NF1-related conditions. This variant is not present in population databases (ExAC no frequency). This sequence change creates a premature translational stop signal (p.Ile2703Phefs*15) in the NF1 gene. It is expected to result in an absent or disrupted protein product. Loss-of-function variants in NF1 are known to be pathogenic (PMID: 10712197, 23913538).

Literature cited by the submitters: PubMed 10712197; PubMed 23913538.